The following is an entry in ClinVar:

NM_003356.4(UCP3):c.905T>G (p.Met302Arg)

Gene: UCP3 (uncoupling protein 3; minus strand). Cytogenetic location: 11q13.4.
Variant type: single nucleotide variant.
Coding change: c.905T>G on transcript NM_003356.4 (MANE Select); coding-DNA position 905, T replaced by G.
Protein change: p.Met302Arg; replaces methionine 302 with arginine.
Molecular consequence: missense variant.
Genome position (GRCh38, 1-based): chr11:74,001,446, A>C on the plus strand (T>G on the coding strand, the complement: UCP3 is on the minus strand). VCF-style: chr11-74001446-A-C. GRCh37 (hg19) VCF-style: chr11-73712491-A-C.
Other names: short protein forms M302R.
Identifiers: ClinVar variation 1338077 (VCV001338077.4), dbSNP rs757685199, ClinGen allele CA6181310.

ClinVar aggregate classification (germline): Uncertain significance (1 of 4 stars; one submission).

Allele frequency attached by ClinVar (database versions not stated): gnomAD exomes below 0.00001 and 0.00001; ExAC 0.00001.

Submission:

Genetic Services Laboratory, University of Chicago
Classification: Uncertain significance. Last evaluated: 2021-08-24. Review status: criteria provided, single submitter. Criteria: ACMG Guidelines, 2015. Collection method: clinical testing. Allele origin: germline. Affected: no.
Comment: This sequence change does not appear to have been previously described in patients with UCP3-related disorders and has been described in the gnomAD database in two heterozygous individuals which corresponds to a population frequency of 0.00080% (dbSNP rs757685199). The p.Met302Arg change affects a highly conserved amino acid residue located in a domain of the UCP3 protein that is known to be functional. In-silico pathogenicity prediction tools (SIFT, PolyPhen2, Align GVGD, REVEL) provide contradictory results for the p.Met302Arg substitution. Due to these contrasting evidences and the lack of functional studies, the clinical significance of the p.Met302Arg change remains unknown at this time.